The following is an entry in ClinVar:

NM_001355436.2(SPTB):c.4595_4596insTCAACCCGGCC (p.Arg1533fs)

Gene: SPTB (spectrin beta, erythrocytic; minus strand). Cytogenetic location: 14q23.3.
Variant type: Insertion.
Coding change: c.4595_4596insTCAACCCGGCC on transcript NM_001355436.2 (MANE Select); coding-DNA positions 4595 to 4596, TCAACCCGGCC inserted.
Protein change: p.Arg1533fs; shifts the reading frame from arginine 1533.
Molecular consequence: frameshift variant.
Genome position: GRCh38 VCF-style: chr14-64775371-C-CGGCCGGGTTGA. GRCh37 (hg19) VCF-style: chr14-65242089-C-CGGCCGGGTTGA.
Other names: c.4595_4596insTCAACCCGGCC, p.Arg1533fs (NM_001024858.4, NM_001355437.2); short protein forms R1533fs.
Identifiers: ClinVar variation 2106432 (VCV002106432.4), dbSNP rs2503071813, ClinGen allele CA2580088492.

ClinVar aggregate classification (germline): Pathogenic (1 of 4 stars; one submission).

Submission:

Labcorp Genetics (formerly Invitae), Labcorp
Classification: Pathogenic. Last evaluated: 2022-03-03. Review status: criteria provided, single submitter. Criteria: Invitae Variant Classification Sherloc (09022015). Collection method: clinical testing. Allele origin: germline.
Comment: This sequence change creates a premature translational stop signal (p.Arg1533Glnfs*52) in the SPTB gene. It is expected to result in an absent or disrupted protein product. Loss-of-function variants in SPTB are known to be pathogenic (PMID: 1391962, 1498324, 8844207, 26830532, 27292444). This variant is not present in population databases (gnomAD no frequency). This variant has not been reported in the literature in individuals affected with SPTB-related conditions. For these reasons, this variant has been classified as Pathogenic.

Literature cited by the submitters: PubMed 1391962; PubMed 1498324; PubMed 8844207; PubMed 26830532; PubMed 27292444.